The following is an entry in ClinVar:

NM_000222.3(KIT):c.230A>G (p.Asn77Ser)

Gene: KIT (KIT proto-oncogene, receptor tyrosine kinase; plus strand). Cytogenetic location: 4q12.
Variant type: single nucleotide variant.
Coding change: c.230A>G on transcript NM_000222.3 (MANE Select); coding-DNA position 230, A replaced by G.
Protein change: p.Asn77Ser; replaces asparagine 77 with serine.
Molecular consequence: missense variant.
Genome position (GRCh38, 1-based): chr4:54,695,674, A>G. VCF-style: chr4-54695674-A-G. GRCh37 (hg19) VCF-style: chr4-55561840-A-G.
Other names: c.230A>G, p.Asn77Ser (NM_001093772.2, NM_001385284.1, NM_001385285.1 and 4 more transcripts); short protein forms N77S.
Identifiers: ClinVar variation 528512 (VCV000528512.15), dbSNP rs371353189, ClinGen allele CA2923191.

ClinVar aggregate classification (germline): Conflicting classifications of pathogenicity. Review status: criteria provided, conflicting classifications (1 of 4 stars). 4 submissions from 4 submitters: Uncertain significance (3); Likely benign (1). Last evaluated 2025-08-06.

Conditions:
KIT-related disorder. Also called: KIT-related condition.
Hereditary cancer-predisposing syndrome. Also called: Hereditary neoplastic syndrome; Hereditary Cancer Syndrome; Neoplastic Syndromes, Hereditary; Tumor predisposition. Identifiers: Orphanet 140162, MedGen C0027672, MeSH D009386, MONDO:0015356.
Gastrointestinal stromal tumor. Also called: Gastrointestinal stroma tumor; Gastrointestinal stromal tumor, somatic. Identifiers: Orphanet 44890, MedGen C0238198, MeSH D046152, MONDO:0011719, OMIM 606764, HP:0100723.

Allele frequency attached by ClinVar (database versions not stated): gnomAD exomes 0.00001 and 0.00003; ExAC 0.00003; TOPMed 0.00006; gnomAD 0.00007; ESP Exome Variant Server 0.00015.
gnomAD v4.1: 19 of 1,614,136 alleles (0.0012%); highest among the groups gnomAD compares: African/African-American, 0.024%; no homozygotes.

Submissions (4):

PreventionGenetics, part of Exact Sciences
Classification: Uncertain significance for KIT-related condition. Last evaluated: 2025-08-06. Review status: criteria provided, single submitter. Criteria: ACMG Guidelines, 2015. Collection method: clinical testing. Allele origin: germline.
Comment: The KIT c.230A>G variant is predicted to result in the amino acid substitution p.Asn77Ser. To our knowledge, this variant has not been reported in the literature. This variant is reported in 0.040% of alleles in individuals of African descent in gnomAD and has conflicting interpretations of pathogenicity in ClinVar ranging from uncertain to likely benign (Variation ID: 528512). Although we suspect that this variant may be benign, at this time, the clinical significance of this variant is uncertain due to the absence of conclusive functional and genetic evidence.

Labcorp Genetics (formerly Invitae), Labcorp
Classification: Uncertain significance for Gastrointestinal stromal tumor. Last evaluated: 2025-07-30. Review status: criteria provided, single submitter. Criteria: Invitae Variant Classification Sherloc (09022015). Collection method: clinical testing. Allele origin: germline.
Comment: This sequence change replaces asparagine, which is neutral and polar, with serine, which is neutral and polar, at codon 77 of the KIT protein (p.Asn77Ser). This variant is present in population databases (rs371353189, gnomAD 0.04%). This variant has not been reported in the literature in individuals affected with KIT-related conditions. ClinVar contains an entry for this variant (Variation ID: 528512). An algorithm developed to predict the effect of missense changes on protein structure and function outputs the following: PolyPhen-2: "Benign". The serine amino acid residue is found in multiple mammalian species, which suggests that this missense change does not adversely affect protein function. In summary, the available evidence is currently insufficient to determine the role of this variant in disease. Therefore, it has been classified as a Variant of Uncertain Significance.

Ambry Genetics
Classification: Likely benign for Hereditary cancer-predisposing syndrome. Last evaluated: 2024-12-20. Review status: criteria provided, single submitter. Criteria: Ambry Variant Classification Scheme 2023. Collection method: clinical testing. Allele origin: germline.

GeneDx
Classification: Uncertain significance. Last evaluated: 2024-04-16. Review status: criteria provided, single submitter. Criteria: GeneDx Variant Classification Process June 2021. Collection method: clinical testing. Allele origin: germline. Affected: yes.
Comment: In silico analysis indicates that this missense variant does not alter protein structure/function; In silico analysis suggests this variant may impact gene splicing. In the absence of RNA/functional studies, the actual effect of this sequence change is unknown.; Has not been previously published as a pathogenic or benign germline variant to our knowledge; This variant is associated with the following publications: (PMID: 31966388)